The following is an entry in ClinVar:

ClinVar aggregate classification (germline): Benign/Likely benign. Review status: criteria provided, multiple submitters, no conflicts (2 of 4 stars). 7 submissions from 7 submitters: Benign (2); Likely benign (3). 2 of the submissions do not count toward it. Last evaluated 2026-02-02.

Conditions:
Donnai-Barrow syndrome. Also called: DBS/FOAR SYNDROME; FACIOOCULOACOUSTICORENAL SYNDROME. Identifiers: Orphanet 2143, MedGen C1857277, MONDO:0009104, OMIM 222448.

Allele frequency attached by ClinVar (database versions not stated): 1000 Genomes Project 0.00040; 1000 Genomes Project 30x 0.00047; gnomAD exomes 0.00203 and 0.00285; gnomAD 0.00210 and 0.00246; ExAC 0.00255; TOPMed 0.00271; ESP Exome Variant Server 0.00300.
gnomAD v4.1: 4,494 of 1,613,708 alleles (0.28%); highest among the groups gnomAD compares: Non-Finnish European, 0.35%; 10 homozygotes.

Submissions (7):

Labcorp Genetics (formerly Invitae), Labcorp
Classification: Benign. Last evaluated: 2026-02-02. Review status: criteria provided, single submitter. Criteria: Invitae Variant Classification Sherloc (09022015). Collection method: clinical testing. Allele origin: germline.

CeGaT Center for Human Genetics Tuebingen
Classification: Likely benign. Last evaluated: 2025-04-01. Review status: criteria provided, single submitter. Criteria: CeGaT Center For Human Genetics Tuebingen Variant Classification Criteria Version 2. Collection method: clinical testing. Allele origin: germline. Affected: yes. Observed: 19 variant alleles.
Comment: LRP2: BP4, BP7

Blueprint Genetics
Classification: Likely benign. Last evaluated: 2024-11-19. Review status: criteria provided, single submitter. Criteria: ACMG Guidelines, 2015. Collection method: clinical testing. Allele origin: germline.

Genome-Nilou Lab
Classification: Benign for Donnai-Barrow syndrome. Last evaluated: 2021-07-15. Review status: criteria provided, single submitter. Criteria: ACMG Guidelines, 2015. Collection method: clinical testing. Allele origin: germline. Affected: no.

Illumina Laboratory Services, Illumina
Classification: Likely benign for Donnai-Barrow syndrome. Last evaluated: 2018-01-12. Review status: criteria provided, single submitter. Criteria: ICSL Variant Classification Criteria 13 December 2019. Collection method: clinical testing. Allele origin: germline.
Comment: This variant was observed in the ICSL laboratory as part of a predisposition screen in an ostensibly healthy population. It had not been previously curated by ICSL or reported in the Human Gene Mutation Database (HGMD: prior to June 1st, 2018), and was therefore a candidate for classification through an automated scoring system. Utilizing variant allele frequency, disease prevalence and penetrance estimates, and inheritance mode, an automated score was calculated to assess if this variant is too frequent to cause the disease. Based on the score and internal cut-off values, a variant classified as likely benign is not then subjected to further curation. The score for this variant resulted in a classification of likely benign for this disease.

Clinical Genetics DNA and cytogenetics Diagnostics Lab, Erasmus MC, Erasmus Medical Center
Classification: Likely benign. Review status: no assertion criteria provided. Collection method: clinical testing. Allele origin: germline. Affected: yes. Study: VKGL Data-share Consensus. Not counted in ClinVar's aggregate classification.

Genome Diagnostics Laboratory, University Medical Center Utrecht
Classification: Likely benign. Review status: no assertion criteria provided. Collection method: clinical testing. Allele origin: germline. Affected: yes. Study: VKGL Data-share Consensus. Not counted in ClinVar's aggregate classification.

NM_004525.3(LRP2):c.2079C>T (p.Phe693=)

Gene: LRP2 (LDL receptor related protein 2; minus strand). Cytogenetic location: 2q31.1.
Variant type: single nucleotide variant.
Coding change: c.2079C>T on transcript NM_004525.3 (MANE Select); coding-DNA position 2079, C replaced by T.
Protein change: p.Phe693=; no amino-acid change (phenylalanine 693 retained).
Molecular consequence: synonymous variant.
Genome position (GRCh38, 1-based): chr2:169,272,964, G>A on the plus strand (C>T on the coding strand, the complement: LRP2 is on the minus strand). VCF-style: chr2-169272964-G-A. GRCh37 (hg19) VCF-style: chr2-170129474-G-A.
Identifiers: ClinVar variation 332192 (VCV000332192.50), dbSNP rs145709922, ClinGen allele CA1955398.